The following is an entry in ClinVar:

ClinVar aggregate classification (germline): Uncertain significance (1 of 4 stars; one submission).

Conditions:
Cardiovascular phenotype. Identifiers: MedGen CN230736.
Hereditary cancer-predisposing syndrome. Also called: Neoplastic Syndromes, Hereditary; Tumor predisposition; Hereditary Cancer Syndrome; Hereditary neoplastic syndrome. Identifiers: Orphanet 140162, MedGen C0027672, MeSH D009386, MONDO:0015356.

Submission:

Ambry Genetics
Classification: Uncertain significance for Cardiovascular phenotype; Hereditary cancer-predisposing syndrome. Last evaluated: 2026-03-23. Review status: criteria provided, single submitter. Criteria: Ambry Variant Classification Scheme 2023. Collection method: clinical testing. Allele origin: germline.
Comment: The c.7126+4A>G intronic variant results from an A to G substitution 4 nucleotides after coding exon 47 in the NF1 gene. This nucleotide position is poorly conserved in available vertebrate species. In silico splice site analysis predicts that this alteration will not have any significant effect on splicing. Based on the available evidence, the clinical significance of this variant remains unclear.

NM_001042492.3(NF1):c.7189+4A>G

Gene: NF1 (neurofibromin 1; plus strand). Cytogenetic location: 17q11.2.
Variant type: single nucleotide variant.
Coding change: c.7189+4A>G on transcript NM_001042492.3 (MANE Select); 4 bases into the intron after coding-DNA position 7189, A replaced by G.
Molecular consequence: intron variant.
Genome position (GRCh38, 1-based): chr17:31,343,139, A>G. VCF-style: chr17-31343139-A-G. GRCh37 (hg19) VCF-style: chr17-29670157-A-G.
Other names: c.7126+4A>G (NM_000267.4).
Identifiers: ClinVar variation 4860878 (VCV004860878.1).